The following is an entry in ClinVar:

NM_000303.3(PMM2):c.67-2A>G

Gene: PMM2 (phosphomannomutase 2; plus strand). Cytogenetic location: 16p13.2.
Variant type: single nucleotide variant.
Coding change: c.67-2A>G on transcript NM_000303.3 (MANE Select); the canonical splice acceptor site of the intron before coding-DNA position 67, A replaced by G.
Molecular consequence: splice acceptor variant.
Genome position (GRCh38, 1-based): chr16:8,801,797, A>G. VCF-style: chr16-8801797-A-G. GRCh37 (hg19) VCF-style: chr16-8895654-A-G.
Identifiers: ClinVar variation 2054945 (VCV002054945.5), dbSNP rs1555448897, ClinGen allele CA394695109.
Genomic context (GRCh38, chr16:8,801,797, plus strand): 5'-AGTTTTGGTCTCCTGATTATTGTGTGGCTTATGACTGTTGTATTTTCTTTCTTGAAATTT[A>G]GAAAATTACCAAAGAAATGGATGACTTCCTACAAAAATTGAGGCAGAAGATCAAAATCGG-3'

ClinVar aggregate classification (germline): Pathogenic (1 of 4 stars; one submission).

Conditions:
PMM2-congenital disorder of glycosylation. Also called: Congenital disorder of glycosylation, type Ia; PMM2-CDG; CDG Ia; JAEKEN SYNDROME; PHOSPHOMANNOMUTASE 2 DEFICIENCY; CARBOHYDRATE-DEFICIENT GLYCOPROTEIN SYNDROME, TYPE Ia. Identifiers: Orphanet 79318, MedGen C0349653, MONDO:0008907, OMIM 212065.

Submission:

Labcorp Genetics (formerly Invitae), Labcorp
Classification: Pathogenic for PMM2-congenital disorder of glycosylation. Last evaluated: 2021-12-23. Review status: criteria provided, single submitter. Criteria: Invitae Variant Classification Sherloc (09022015). Collection method: clinical testing. Allele origin: germline.
Comment: Disruption of this splice site has been observed in individual(s) with PMM2-congenital disorder of glycosylation (PMID: 11350185). This variant is not present in population databases (gnomAD no frequency). This sequence change affects an acceptor splice site in intron 1 of the PMM2 gene. It is expected to disrupt RNA splicing. Variants that disrupt the donor or acceptor splice site typically lead to a loss of protein function (PMID: 16199547), and loss-of-function variants in PMM2 are known to be pathogenic (PMID: 19862844). Algorithms developed to predict the effect of sequence changes on RNA splicing suggest that this variant may disrupt the consensus splice site. For these reasons, this variant has been classified as Pathogenic.

Literature cited by the submitters: PubMed 11350185; PubMed 16199547; PubMed 19862844.